The following is an entry in ClinVar:

ClinVar aggregate classification (germline): Pathogenic (1 of 4 stars; one submission).

Conditions:
Marfan syndrome (MFS). Also called: MARFAN SYNDROME, TYPE I; Marfan syndrome type 1; Marfan's syndrome; Marfan syndrome, classic; FBN1-Related Marfan Syndrome. Identifiers: Orphanet 284963, Orphanet 558, MedGen C0024796, MONDO:0007947, OMIM 154700.

Submission:

Laboratory for Molecular Medicine, Mass General Brigham Personalized Medicine
Classification: Pathogenic for Marfan syndrome. Last evaluated: 2019-01-28. Review status: criteria provided, single submitter. Criteria: ACMG Guidelines, 2015. Collection method: clinical testing. Allele origin: germline. Inheritance: Autosomal dominant inheritance.
Comment: The p.Glu375X variant in FBN1 has not been previously reported in individuals with Marfan syndrome or in large population studies. This nonsense variant leads to a premature termination codon at position 375, which is predicted to lead to a truncated or absent protein. Heterozygous loss of function of the FBN1 gene is an established disease mechanism in Marfan syndrome. In summary, this variant meets criteria to be classified as pathogenic for Marfan syndrome in an autosomal dominant manner based upon the predicted impact to the protein and absence in controls.

NM_000138.5(FBN1):c.1121dup (p.Pro374_Glu375insTer)

Genes: FBN1 (fibrillin 1; minus strand), LOC113939944 (Sharpr-MPRA regulatory region 9539; plus strand). Cytogenetic location: 15q21.1.
Variant type: Duplication.
Coding change: c.1121dup on transcript NM_000138.5 (MANE Select); coding-DNA position 1121, one base duplicated (C; older notation c.1121dupC).
Protein change: p.Pro374_Glu375insTer.
Molecular consequence: frameshift variant.
Genome position (GRCh38, 1-based): chr15:48,520,685, G duplicated on the plus strand (C on the coding strand, the reverse complement: FBN1 is on the minus strand); the first of 4 consecutive G bases (chr15:48,520,685-48,520,688); duplicating any one gives the same sequence. VCF-style (leftmost placement, unchanged base first): chr15-48520684-A-AG. GRCh37 (hg19) VCF-style: chr15-48812881-A-AG.
Other names: c.1121dup, p.Pro374_Glu375insTer (NM_001406716.1).
Identifiers: ClinVar variation 3076040 (VCV003076040.1), dbSNP rs2505628734, ClinGen allele CA913187715.